The following is an entry in ClinVar:

ClinVar aggregate classification (germline): Pathogenic/Likely pathogenic. Review status: criteria provided, multiple submitters, no conflicts (2 of 4 stars). 3 submissions from 3 submitters: Pathogenic (1); Likely pathogenic (2). Last evaluated 2025-11-24.

Conditions:
WRN-related disorder. Also called: WRN-related condition.
Werner syndrome (WRN). Identifiers: Orphanet 902, MedGen C0043119, MONDO:0010196, OMIM 277700.

Submissions (3):

Labcorp Genetics (formerly Invitae), Labcorp
Classification: Pathogenic for Werner syndrome. Last evaluated: 2025-11-24. Review status: criteria provided, single submitter. Criteria: Invitae Variant Classification Sherloc (09022015). Collection method: clinical testing. Allele origin: germline.
Comment: This sequence change creates a premature translational stop signal (p.Ser1128Valfs*34) in the WRN gene. It is expected to result in an absent or disrupted protein product. Loss-of-function variants in WRN are known to be pathogenic (PMID: 16673358). The frequency data for this variant in the population databases is considered unreliable, as metrics indicate poor data quality at this position in the gnomAD database. This variant has not been reported in the literature in individuals affected with WRN-related conditions. ClinVar contains an entry for this variant (Variation ID: 571933). For these reasons, this variant has been classified as Pathogenic.

Baylor Genetics
Classification: Likely pathogenic for Werner syndrome. Last evaluated: 2023-12-08. Review status: criteria provided, single submitter. Criteria: ACMG Guidelines, 2015. Collection method: clinical testing. Allele origin: unknown.

Blueprint Genetics
Classification: Likely pathogenic for WRN-related disorders. Last evaluated: 2021-10-27. Review status: criteria provided, single submitter. Criteria: ACMG Guidelines, 2015. Collection method: clinical testing. Allele origin: germline. Affected: yes. Observed: 2 variant alleles.

Literature cited by the submitters: PubMed 16673358 (cited by Labcorp Genetics (formerly Invitae), Labcorp).

NM_000553.6(WRN):c.3382del (p.Ser1128fs)

Gene: WRN (WRN RecQ like helicase; plus strand). Cytogenetic location: 8p12.
Variant type: Deletion.
Coding change: c.3382del on transcript NM_000553.6 (MANE Select); coding-DNA position 3382, one base deleted (A; older notation c.3382delA).
Protein change: p.Ser1128fs; shifts the reading frame from serine 1128.
Molecular consequence: frameshift variant.
Genome position (GRCh38, 1-based): chr8:31,143,622, A deleted; the last of 7 consecutive A bases (chr8:31,143,616-31,143,622); deleting any one gives the same sequence. VCF-style (leftmost placement, unchanged base first): chr8-31143615-TA-T. GRCh37 (hg19) VCF-style: chr8-31001131-TA-T.
Other names: short protein forms S1128fs.
Identifiers: ClinVar variation 571933 (VCV000571933.7), dbSNP rs778872619, ClinGen allele CA4705027.